The following is an entry in ClinVar:

NM_001164665.2(KIAA1549):c.2656A>G (p.Thr886Ala)

Gene: KIAA1549 (KIAA1549; minus strand). Cytogenetic location: 7q34.
Variant type: single nucleotide variant.
Coding change: c.2656A>G on transcript NM_001164665.2 (MANE Select); coding-DNA position 2656, A replaced by G.
Protein change: p.Thr886Ala; replaces threonine 886 with alanine.
Molecular consequence: missense variant.
Genome position (GRCh38, 1-based): chr7:138,916,970, T>C on the plus strand (A>G on the coding strand, the complement: KIAA1549 is on the minus strand). VCF-style: chr7-138916970-T-C. GRCh37 (hg19) VCF-style: chr7-138601716-T-C.
Other names: c.2656A>G, p.Thr886Ala (NM_020910.3); c.2656A>G (NM_001164665.1); short protein forms T886A.
Identifiers: ClinVar variation 1475536 (VCV001475536.4), dbSNP rs939857891, ClinGen allele CA167163188.

ClinVar aggregate classification (germline): Conflicting classifications of pathogenicity. Review status: criteria provided, conflicting classifications (1 of 4 stars). 2 submissions from 2 submitters: Uncertain significance (1); Likely benign (1). Last evaluated 2022-05-18.

Conditions:
Inborn genetic diseases. Identifiers: MedGen C0950123, MeSH D030342.

Allele frequency attached by ClinVar (database versions not stated): gnomAD 0.00001 and 0.00003; TOPMed 0.00004.
gnomAD v4.1: 9 of 1,601,486 alleles (0.00056%); highest among the groups gnomAD compares: Middle Eastern, 0.033%; no homozygotes.

Submissions (2):

Ambry Genetics
Classification: Likely benign for Inborn genetic diseases. Last evaluated: 2022-05-18. Review status: criteria provided, single submitter. Criteria: Ambry Variant Classification Scheme 2023. Collection method: clinical testing. Allele origin: germline.

Labcorp Genetics (formerly Invitae), Labcorp
Classification: Uncertain significance. Last evaluated: 2021-11-15. Review status: criteria provided, single submitter. Criteria: Invitae Variant Classification Sherloc (09022015). Collection method: clinical testing. Allele origin: germline.
Comment: This sequence change replaces threonine, which is neutral and polar, with alanine, which is neutral and non-polar, at codon 886 of the KIAA1549 protein (p.Thr886Ala). This variant is not present in population databases (gnomAD no frequency). This variant has not been reported in the literature in individuals affected with KIAA1549-related conditions. Algorithms developed to predict the effect of missense changes on protein structure and function output the following: SIFT: "Tolerated"; PolyPhen-2: "Benign"; Align-GVGD: "Class C0". The alanine amino acid residue is found in multiple mammalian species, which suggests that this missense change does not adversely affect protein function. In summary, the available evidence is currently insufficient to determine the role of this variant in disease. Therefore, it has been classified as a Variant of Uncertain Significance.